The following is an entry in ClinVar:

NM_007214.5(SEC63):c.1909C>A (p.Pro637Thr)

Gene: SEC63 (SEC63 protein translocation regulator; minus strand). Cytogenetic location: 6q21.
Variant type: single nucleotide variant.
Coding change: c.1909C>A on transcript NM_007214.5 (MANE Select); coding-DNA position 1909, C replaced by A.
Protein change: p.Pro637Thr; replaces proline 637 with threonine.
Molecular consequence: missense variant.
Genome position (GRCh38, 1-based): chr6:107,881,175, G>T on the plus strand (C>A on the coding strand, the complement: SEC63 is on the minus strand). VCF-style: chr6-107881175-G-T. GRCh37 (hg19) VCF-style: chr6-108202379-G-T.
Other names: short protein forms P637T.
Identifiers: ClinVar variation 3605167 (VCV003605167.2).
Genomic context (GRCh38, chr6:107,881,175, plus strand): 5'-GAATAAGGAACACAGTAGCCTGTATATAACTCACCTCAGGAAAGTAAAGGCTATACACAG[G>T]ATGTGTTATTTTTGATTTGGTTTCCAATAGAGCTCTCTCTTTTCGCTGTATGCTTTGTTG-3'
Protein context (NP_009145.1, residues 627-647): LLETKSKITH[Pro637Thr]VYSLYFPEEK

ClinVar aggregate classification (germline): Uncertain significance (1 of 4 stars; one submission).

Submission:

Labcorp Genetics (formerly Invitae), Labcorp
Classification: Uncertain significance. Last evaluated: 2024-11-19. Review status: criteria provided, single submitter. Criteria: Invitae Variant Classification Sherloc (09022015). Collection method: clinical testing. Allele origin: germline.
Comment: This sequence change replaces proline, which is neutral and non-polar, with threonine, which is neutral and polar, at codon 637 of the SEC63 protein (p.Pro637Thr). This variant is not present in population databases (gnomAD no frequency). This variant has not been reported in the literature in individuals affected with SEC63-related conditions. An algorithm developed to predict the effect of missense changes on protein structure and function (PolyPhen-2) suggests that this variant is likely to be tolerated. In summary, the available evidence is currently insufficient to determine the role of this variant in disease. Therefore, it has been classified as a Variant of Uncertain Significance.